The following is an entry in ClinVar:

NM_153252.5(BRWD3):c.3553C>T (p.Pro1185Ser)

Gene: BRWD3 (bromodomain and WD repeat domain containing 3; minus strand). Cytogenetic location: Xq21.1.
Variant type: single nucleotide variant.
Coding change: c.3553C>T on transcript NM_153252.5 (MANE Select); coding-DNA position 3553, C replaced by T.
Protein change: p.Pro1185Ser; replaces proline 1185 with serine.
Molecular consequence: missense variant.
Genome position (GRCh38, 1-based): chrX:80,691,102, G>A on the plus strand (C>T on the coding strand, the complement: BRWD3 is on the minus strand). VCF-style: chrX-80691102-G-A. GRCh37 (hg19) VCF-style: chrX-79946601-G-A.
Other names: short protein forms P1185S.
Identifiers: ClinVar variation 2111393 (VCV002111393.4), dbSNP rs2520234923, ClinGen allele CA413616811.

ClinVar aggregate classification (germline): Uncertain significance (1 of 4 stars; one submission).

Submission:

Labcorp Genetics (formerly Invitae), Labcorp
Classification: Uncertain significance. Last evaluated: 2022-05-14. Review status: criteria provided, single submitter. Criteria: Invitae Variant Classification Sherloc (09022015). Collection method: clinical testing. Allele origin: germline.
Comment: In summary, the available evidence is currently insufficient to determine the role of this variant in disease. Therefore, it has been classified as a Variant of Uncertain Significance. Algorithms developed to predict the effect of missense changes on protein structure and function (SIFT, PolyPhen-2, Align-GVGD) all suggest that this variant is likely to be disruptive. This variant has not been reported in the literature in individuals affected with BRWD3-related conditions. This variant is not present in population databases (gnomAD no frequency). This sequence change replaces proline, which is neutral and non-polar, with serine, which is neutral and polar, at codon 1185 of the BRWD3 protein (p.Pro1185Ser).